The following is an entry in ClinVar:

ClinVar aggregate classification (germline): Uncertain significance (1 of 4 stars; one submission).

Submission:

GeneDx
Classification: Uncertain significance. Last evaluated: 2022-04-11. Review status: criteria provided, single submitter. Criteria: GeneDx Variant Classification Process June 2021. Collection method: clinical testing. Allele origin: germline. Affected: yes.
Comment: Has not been previously published as pathogenic or benign to our knowledge; Not observed in large population cohorts (gnomAD); In silico analysis supports that this missense variant has a deleterious effect on protein structure/function; This variant is associated with the following publications: (PMID: 19006240, 18767143)

NM_001999.4(FBN2):c.8117G>T (p.Cys2706Phe)

Gene: FBN2 (fibrillin 2; minus strand). Cytogenetic location: 5q23.3.
Variant type: single nucleotide variant.
Coding change: c.8117G>T on transcript NM_001999.4 (MANE Select); coding-DNA position 8117, G replaced by T.
Protein change: p.Cys2706Phe; replaces cysteine 2706 with phenylalanine.
Molecular consequence: missense variant.
Genome position (GRCh38, 1-based): chr5:128,263,500, C>A on the plus strand (G>T on the coding strand, the complement: FBN2 is on the minus strand). VCF-style: chr5-128263500-C-A. GRCh37 (hg19) VCF-style: chr5-127599192-C-A.
Other names: short protein forms C2706F.
Identifiers: ClinVar variation 1304097 (VCV001304097.3), dbSNP rs1010740898, ClinGen allele CA360748462.